The following is an entry in ClinVar:

NM_000057.4(BLM):c.2927A>G (p.Glu976Gly)

Gene: BLM (BLM RecQ like helicase; plus strand). Cytogenetic location: 15q26.1.
Variant type: single nucleotide variant.
Coding change: c.2927A>G on transcript NM_000057.4 (MANE Select); coding-DNA position 2927, A replaced by G.
Protein change: p.Glu976Gly; replaces glutamic acid 976 with glycine.
Molecular consequence: missense variant.
Genome position (GRCh38, 1-based): chr15:90,790,752, A>G. VCF-style: chr15-90790752-A-G. GRCh37 (hg19) VCF-style: chr15-91333982-A-G.
Other names: c.2927A>G, p.Glu976Gly (NM_001287246.2, NM_001287247.2); c.1802A>G, p.Glu601Gly (NM_001287248.2); short protein forms E976G, E601G.
Identifiers: ClinVar variation 2452569 (VCV002452569.2), dbSNP rs2505516570, ClinGen allele CA393846433.

ClinVar aggregate classification (germline): Uncertain significance (1 of 4 stars; one submission).

Conditions:
Hereditary cancer-predisposing syndrome. Also called: Neoplastic Syndromes, Hereditary; Tumor predisposition; Hereditary neoplastic syndrome; Hereditary Cancer Syndrome. Identifiers: Orphanet 140162, MedGen C0027672, MeSH D009386, MONDO:0015356.

Submission:

Ambry Genetics
Classification: Uncertain significance for Hereditary cancer-predisposing syndrome. Last evaluated: 2023-02-18. Review status: criteria provided, single submitter. Criteria: Ambry Variant Classification Scheme 2023. Collection method: clinical testing. Allele origin: germline.
Comment: The p.E976G variant (also known as c.2927A>G), located in coding exon 14 of the BLM gene, results from an A to G substitution at nucleotide position 2927. The glutamic acid at codon 976 is replaced by glycine, an amino acid with similar properties. This amino acid position is conserved. In addition, this alteration is predicted to be deleterious by in silico analysis. Since supporting evidence is limited at this time, the clinical significance of this alteration remains unclear.